The following is an entry in ClinVar:

ClinVar aggregate classification (germline): Uncertain significance (1 of 4 stars; one submission).

Allele frequency attached by ClinVar (database versions not stated): TOPMed below 0.00001.
gnomAD v4.1: 1 of 1,600,250 alleles (0.000062%); no homozygotes.

Submission:

Labcorp Genetics (formerly Invitae), Labcorp
Classification: Uncertain significance. Last evaluated: 2023-11-24. Review status: criteria provided, single submitter. Criteria: Invitae Variant Classification Sherloc (09022015). Collection method: clinical testing. Allele origin: germline.
Comment: This sequence change replaces arginine, which is basic and polar, with lysine, which is basic and polar, at codon 390 of the POLE2 protein (p.Arg390Lys). This variant is not present in population databases (gnomAD no frequency). This variant has not been reported in the literature in individuals affected with POLE2-related conditions. Algorithms developed to predict the effect of missense changes on protein structure and function output the following: SIFT: "Not Available"; PolyPhen-2: "Benign"; Align-GVGD: "Not Available". The lysine amino acid residue is found in multiple mammalian species, which suggests that this missense change does not adversely affect protein function. In summary, the available evidence is currently insufficient to determine the role of this variant in disease. Therefore, it has been classified as a Variant of Uncertain Significance.

NM_002692.4(POLE2):c.1169G>A (p.Arg390Lys)

Gene: POLE2 (DNA polymerase epsilon 2, accessory subunit; minus strand). Cytogenetic location: 14q21.3.
Variant type: single nucleotide variant.
Coding change: c.1169G>A on transcript NM_002692.4 (MANE Select); coding-DNA position 1169, G replaced by A.
Protein change: p.Arg390Lys; replaces arginine 390 with lysine.
Molecular consequence: missense variant.
Genome position (GRCh38, 1-based): chr14:49,654,032, C>T on the plus strand (G>A on the coding strand, the complement: POLE2 is on the minus strand). VCF-style: chr14-49654032-C-T. GRCh37 (hg19) VCF-style: chr14-50120750-C-T.
Other names: c.938G>A, p.Arg313Lys (NM_001348385.2); c.1091G>A, p.Arg364Lys (NM_001197330.2); c.1169G>A, p.Arg390Lys (NM_001197331.3); c.1166G>A, p.Arg389Lys (NM_001348384.2); short protein forms R389K, R390K, R313K, R364K.
Identifiers: ClinVar variation 3007466 (VCV003007466.3), dbSNP rs1884469922, ClinGen allele CA389600208.
Genomic context (GRCh38, chr14:49,654,032, plus strand): 5'-CAAAATACTAATTCTTACCTGCAAGGATTAGTAGTAAAAACTGAAAATGGTACCCTTTGT[C>T]TGAATTCATTAGTGATGCTTTCAGCAAGTGGTGGCCTATAAAAACAATTTATGTGATATA-3'
Protein context (NP_002683.2, residues 380-400): PLAESITNEF[Arg390Lys]QRVPFSVFTT